The following is an entry in ClinVar:

NM_005529.7(HSPG2):c.2039C>T (p.Ala680Val)

Gene: HSPG2 (heparan sulfate proteoglycan 2; minus strand). Cytogenetic location: 1p36.12.
Variant type: single nucleotide variant.
Coding change: c.2039C>T on transcript NM_005529.7 (MANE Select); coding-DNA position 2039, C replaced by T.
Protein change: p.Ala680Val; replaces alanine 680 with valine.
Molecular consequence: missense variant.
Genome position (GRCh38, 1-based): chr1:21,880,519, G>A on the plus strand (C>T on the coding strand, the complement: HSPG2 is on the minus strand). VCF-style: chr1-21880519-G-A. GRCh37 (hg19) VCF-style: chr1-22207012-G-A.
Other names: c.2042C>T, p.Ala681Val (NM_001291860.2); short protein forms A680V, A681V.
Identifiers: ClinVar variation 873935 (VCV000873935.9), dbSNP rs374004974, ClinGen allele CA673205.

ClinVar aggregate classification (germline): Uncertain significance. Review status: criteria provided, multiple submitters, no conflicts (2 of 4 stars). 3 submissions from 2 submitters: Uncertain significance (3). Last evaluated 2021-05-12.

Conditions:
Lethal Kniest-like syndrome (DDSH). Also called: Dyssegmental Dysplasia. Identifiers: Orphanet 1865, MedGen C1857100, MONDO:0009140, OMIM 224410.
Schwartz-Jampel syndrome. Also called: Myotonic myopathy dwarfism chondrodystrophy and ocular and facial abnormalities. Identifiers: Orphanet 800, MedGen C0036391, MONDO:0009717.

Allele frequency attached by ClinVar (database versions not stated): gnomAD 0.00001; TOPMed 0.00002; ExAC 0.00003; gnomAD exomes 0.00003 and 0.00004; ESP Exome Variant Server 0.00008.
gnomAD v4.1: 55 of 1,613,490 alleles (0.0034%); highest among the groups gnomAD compares: Non-Finnish European, 0.0042%; no homozygotes.

Submissions (3):

ARUP Laboratories, Molecular Genetics and Genomics, ARUP Laboratories
Classification: Uncertain significance. Last evaluated: 2021-05-12. Review status: criteria provided, single submitter. Criteria: ARUP Molecular Germline Variant Investigation Process 2021. Collection method: clinical testing. Allele origin: germline.
Comment: The HSPG2 c.2039C>T; p.Ala680Val variant (rs374004974), to our knowledge, is not reported in the medical literature but is reported in ClinVar (Variation ID: 873935). This variant is found on only seven chromosomes (7/249152 alleles) in the Genome Aggregation Database. The alanine at codon 680 is weakly conserved, and computational analyses predict that this variant is neutral (REVEL: 0.14). However, given the lack of clinical and functional data, the significance of the p.Ala680Val variant is uncertain at this time.

Illumina Laboratory Services, Illumina
Classification: Uncertain significance for Lethal Kniest-like syndrome. Last evaluated: 2018-01-12. Review status: criteria provided, single submitter. Criteria: ICSL Variant Classification Criteria 13 December 2019. Collection method: clinical testing. Allele origin: germline.

Illumina Laboratory Services, Illumina
Classification: Uncertain significance for Schwartz-Jampel syndrome type 1. Last evaluated: 2018-01-12. Review status: criteria provided, single submitter. Criteria: ICSL Variant Classification Criteria 13 December 2019. Collection method: clinical testing. Allele origin: germline.